The following is an entry in ClinVar:

NC_000016.9:g.(?_180501)_(188266_?)dup

Gene: NPRL3 (NPR3 like, GATOR1 complex subunit; minus strand). Cytogenetic location: 16p13.3.
Variant type: Duplication.
Identifiers: ClinVar variation 1466072 (VCV001466072.5).

ClinVar aggregate classification (germline): Uncertain significance (1 of 4 stars; one submission).

Conditions:
Epilepsy, familial focal, with variable foci 3 (FFEVF3). Identifiers: MedGen C4310708, MONDO:0014925, OMIM 617118.

Submission:

Labcorp Genetics (formerly Invitae), Labcorp
Classification: Uncertain significance for Epilepsy, familial focal, with variable foci 3. Last evaluated: 2023-12-13. Review status: criteria provided, single submitter. Criteria: Invitae Variant Classification Sherloc (09022015). Collection method: clinical testing. Allele origin: germline.
Comment: This variant results in a copy number gain of the genomic region encompassing exon(s) 2-3 of the NPRL3 gene. This region includes the initiator codon of the gene. This copy number gain extends beyond the assayed region for this gene and therefore may encompass additional genes. As the precise location of this event is unknown, it may be in tandem or it may be located elsewhere in the genome. This variant has not been reported in the literature in individuals affected with NPRL3-related conditions. In summary, the available evidence is currently insufficient to determine the role of this variant in disease. Therefore, it has been classified as a Variant of Uncertain Significance.